The following is an entry in ClinVar:

NC_012920.1(MT-ND5):m.13064T>C

Gene: MT-ND5 (mitochondrially encoded NADH dehydrogenase 5; plus strand).
Variant type: single nucleotide variant.
Genome position: chrM-13064-T-C.
Identifiers: ClinVar variation 693514 (VCV000693514.1), dbSNP rs1603224019, ClinGen allele CA414816478.

ClinVar aggregate classification (germline): Uncertain significance (1 of 4 stars; one submission).

Conditions:
Leigh syndrome (NULS). Also called: Leigh's necrotizing encephalopathy; Leigh's disease; Leigh Syndrome (mtDNA deletion); Leigh Disease; Subacute necrotizing encephalopathy; Necrotizing encephalopathy infantile subacute of Leigh. Identifiers: Orphanet 506, MedGen C2931891, MONDO:0009723, OMIM 256000.

Submission:

Wong Mito Lab, Molecular and Human Genetics, Baylor College of Medicine
Classification: Uncertain significance for Leigh syndrome. Last evaluated: 2019-10-17. Review status: criteria provided, single submitter. Criteria: Modified ACMG Guidelines (Unpublished). Collection method: clinical testing. Allele origin: germline.
Comment: The NC_012920.1:m.13064T>C (YP_003024036.1:p.Val243Ala) variant in MTND5 gene is interpretated to be a Uncertain Significance variant based on the modified ACMG guidelines (unpublished). This variant meets the following evidence codes: PP4